The following is an entry in ClinVar:

NM_001267550.2(TTN):c.10850C>T (p.Ser3617Phe)

Gene: TTN (titin; minus strand). Cytogenetic location: 2q31.2.
Variant type: single nucleotide variant.
Coding change: c.10850C>T on transcript NM_001267550.2 (MANE Select); coding-DNA position 10850, C replaced by T.
Protein change: p.Ser3617Phe; replaces serine 3617 with phenylalanine.
Molecular consequence: missense variant. On other transcripts: intron variant (5).
Genome position (GRCh38, 1-based): chr2:178,756,626, G>A on the plus strand (C>T on the coding strand, the complement: TTN is on the minus strand). VCF-style: chr2-178756626-G-A. GRCh37 (hg19) VCF-style: chr2-179621353-G-A.
Other names: p.S3446F:TCT>TTT; c.10337C>T, p.Ser3446Phe (NM_133437.4); c.10165+2358C>T (NM_003319.4); c.10540+916C>T (NM_133432.3); c.10303+2358C>T (NM_133379.5, NM_133378.4, NM_001256850.1); short protein forms S3617F, S3446F.
Identifiers: ClinVar variation 47847 (VCV000047847.42), dbSNP rs57389274, ClinGen allele CA284591.
Genomic context (GRCh38, chr2:178,756,626, plus strand): 5'-GATGCAGTATGGCACAACTGTGTATCTTGAACAGATGCAGCTGTGTGGATGGAACTTTGA[G>A]ATACACTTTCAAAAACCTGCACTTCATATTCATATGATGATCCTTGAAATGACTTAATTT-3'
Protein context (NP_001254479.2, residues 3607-3627): EYEVQVFESV[Ser3617Phe]QSSIHTAASV

ClinVar aggregate classification (germline): Benign. Review status: criteria provided, multiple submitters, no conflicts (2 of 4 stars). 15 submissions from 12 submitters: Benign (11). 4 of the submissions do not count toward it. Last evaluated 2026-02-03.

Conditions:
TTN-related disorder. Also called: TTN-related condition; TTN-related disease; TTN-related disorders.
Dilated cardiomyopathy 1G (CMD1G). Identifiers: Orphanet 154, MedGen C1858763, MONDO:0011400, OMIM 604145.
Autosomal recessive limb-girdle muscular dystrophy type 2J (LGMDR10). Also called: Limb-girdle muscular dystrophy, type 2J; MUSCULAR DYSTROPHY, LIMB-GIRDLE, AUTOSOMAL RECESSIVE 10. Identifiers: Orphanet 140922, MedGen C1837342, MONDO:0012127, OMIM 608807.
Tibial muscular dystrophy (TMD). Also called: Tibial muscular dystrophy, tardive; Udd Distal Myopathy – Tibial Muscular Dystrophy; UDD MYOPATHY. Identifiers: Orphanet 609, MedGen C1838244, MONDO:0010870, OMIM 600334.
Early-onset myopathy with fatal cardiomyopathy (CMYO5). Also called: CONGENITAL MYOPATHY 5 WITH CARDIOMYOPATHY; Salih Myopathy. Identifiers: Orphanet 289377, MedGen C2673677, MONDO:0012714, OMIM 611705. Disease mechanism: loss of function.
Myopathy, myofibrillar, 9, with early respiratory failure (MFM9). Also called: Myopathy, distal, with early respiratory failure, autosomal dominant; EDSTROM MYOPATHY; MYOPATHY, PROXIMAL, WITH EARLY RESPIRATORY MUSCLE INVOLVEMENT; Hereditary myopathy with early respiratory failure. Identifiers: Orphanet 178464, Orphanet 34521, MedGen C1863599, MONDO:0011362, OMIM 603689.

Allele frequency attached by ClinVar (database versions not stated): ExAC 0.00518; 1000 Genomes Project 0.01957; gnomAD 0.01798 and 0.01681; gnomAD exomes 0.00160 and 0.00395; ESP Exome Variant Server 0.01628; TOPMed 0.01929; 1000 Genomes Project 30x 0.02155.
gnomAD v4.1: 5,013 of 1,613,678 alleles (0.31%); highest among the groups gnomAD compares: African/African-American, 6%; 146 homozygotes.

Submissions (15):

Labcorp Genetics (formerly Invitae), Labcorp
Classification: Benign for Dilated cardiomyopathy 1G; Autosomal recessive limb-girdle muscular dystrophy type 2J. Last evaluated: 2026-02-03. Review status: criteria provided, single submitter. Criteria: Invitae Variant Classification Sherloc (09022015). Collection method: clinical testing. Allele origin: germline.

ARUP Laboratories, Molecular Genetics and Genomics, ARUP Laboratories
Classification: Benign. Last evaluated: 2025-07-08. Review status: criteria provided, single submitter. Criteria: ARUP Molecular Germline Variant Investigation Process 2024. Collection method: clinical testing. Allele origin: germline.

Molecular Diagnostic Laboratory for Inherited Cardiovascular Disease, Montreal Heart Institute
Classification: Benign. Last evaluated: 2025-04-09. Review status: criteria provided, single submitter. Criteria: ACMG Guidelines, 2015. Collection method: clinical testing. Allele origin: germline. Affected: no.

Genome-Nilou Lab
Classification: Benign for Autosomal recessive limb-girdle muscular dystrophy type 2J. Last evaluated: 2021-09-10. Review status: criteria provided, single submitter. Criteria: ACMG Guidelines, 2015. Collection method: clinical testing. Allele origin: germline. Affected: no.

Genome-Nilou Lab
Classification: Benign for Myopathy, myofibrillar, 9, with early respiratory failure. Last evaluated: 2021-09-10. Review status: criteria provided, single submitter. Criteria: ACMG Guidelines, 2015. Collection method: clinical testing. Allele origin: germline. Affected: no.

Genome-Nilou Lab
Classification: Benign for Early-onset myopathy with fatal cardiomyopathy. Last evaluated: 2021-09-10. Review status: criteria provided, single submitter. Criteria: ACMG Guidelines, 2015. Collection method: clinical testing. Allele origin: germline. Affected: no.

Genome-Nilou Lab
Classification: Benign for Tibial muscular dystrophy. Last evaluated: 2021-09-10. Review status: criteria provided, single submitter. Criteria: ACMG Guidelines, 2015. Collection method: clinical testing. Allele origin: germline. Affected: no.

Biesecker Lab/Clinical Genomics Section, National Institutes of Health
Classification: Benign. Last evaluated: 2013-06-24. Review status: criteria provided, single submitter. Criteria: Ng et al. (Circ Cardiovasc Genet. 2013). Collection method: research. Allele origin: unknown. Observed: 2 variant alleles. Study: ClinSeq.
Comment: The study set was not selected for affection status in relation to any cancer. Pathogenicity categories were based on literature curation. See Pubmed ID:23861362 for details.

Medical sequencing

GeneDx
Classification: Benign. Last evaluated: 2012-09-13. Review status: criteria provided, single submitter. Criteria: GeneDx Variant Classification (06012015). Collection method: clinical testing. Allele origin: germline. Affected: yes.
Comment: This variant is considered likely benign or benign based on one or more of the following criteria: it is a conservative change, it occurs at a poorly conserved position in the protein, it is predicted to be benign by multiple in silico algorithms, and/or has population frequency not consistent with disease.

Laboratory for Molecular Medicine, Mass General Brigham Personalized Medicine
Classification: Benign. Last evaluated: 2012-01-06. Review status: criteria provided, single submitter. Criteria: LMM Criteria. Collection method: clinical testing. Allele origin: germline. Observed: 27 variant alleles.

Breakthrough Genomics
Classification: Benign. Review status: criteria provided, single submitter. Criteria: ACMG Guidelines, 2015. Collection method: not provided. Allele origin: germline. Inheritance: Autosomal recessive inheritance. Affected: yes.

PreventionGenetics, part of Exact Sciences
Classification: Benign for TTN-related condition. Last evaluated: 2019-03-12. Review status: no assertion criteria provided. Collection method: clinical testing. Allele origin: germline. Not counted in ClinVar's aggregate classification.
Comment: This variant is classified as benign based on ACMG/AMP sequence variant interpretation guidelines (Richards et al. 2015 PMID: 25741868, with internal and published modifications).

Clinical Genetics, Academic Medical Center
Classification: Benign. Review status: no assertion criteria provided. Collection method: clinical testing. Allele origin: germline. Affected: yes. Study: VKGL Data-share Consensus. Not counted in ClinVar's aggregate classification.

Diagnostic Laboratory, Department of Genetics, University Medical Center Groningen
Classification: Likely benign. Review status: no assertion criteria provided. Collection method: clinical testing. Allele origin: germline. Affected: yes. Study: VKGL Data-share Consensus. Not counted in ClinVar's aggregate classification.

Joint Genome Diagnostic Labs from Nijmegen and Maastricht, Radboudumc and MUMC+
Classification: Benign. Review status: no assertion criteria provided. Collection method: clinical testing. Allele origin: germline. Affected: yes. Study: VKGL Data-share Consensus. Not counted in ClinVar's aggregate classification.